The following is an entry in ClinVar:

NM_198239.2(CCN6):c.310G>C (p.Val104Leu)

Gene: CCN6 (cellular communication network factor 6; plus strand). Cytogenetic location: 6q21.
Variant type: single nucleotide variant.
Coding change: c.310G>C on transcript NM_198239.2 (MANE Select); coding-DNA position 310, G replaced by C.
Protein change: p.Val104Leu; replaces valine 104 with leucine.
Molecular consequence: missense variant. On other transcripts: non-coding transcript variant (2).
Genome position (GRCh38, 1-based): chr6:112,061,252, G>C. VCF-style: chr6-112061252-G-C. GRCh37 (hg19) VCF-style: chr6-112382455-G-C.
Other names: c.310G>C, p.Val104Leu (NM_003880.4); short protein forms V104L.
Identifiers: ClinVar variation 499131 (VCV000499131.19), dbSNP rs78266262, ClinGen allele CA3963954.
Genomic context (GRCh38, chr6:112,061,252, plus strand): 5'-GAAATCTGCAATGAAGCTGACCTCTGTGACCCACACAAAGGGCTGTATTGTGACTACTCA[G>C]TAGACAGGCCTAGGTACGAGACTGGAGTGTGTGCATGTAAGTGTCTTCTTCTGGACCTGC-3'
Protein context (NP_937882.2, residues 94-114): PHKGLYCDYS[Val104Leu]DRPRYETGVC

ClinVar aggregate classification (germline): Conflicting classifications of pathogenicity. Review status: criteria provided, conflicting classifications (1 of 4 stars). 4 submissions from 4 submitters: Uncertain significance (2); Likely benign (2). Last evaluated 2026-01-26.

Conditions:
Inborn genetic diseases. Identifiers: MedGen C0950123, MeSH D030342.

Allele frequency attached by ClinVar (database versions not stated): gnomAD exomes 0.00025 and 0.00060; ExAC 0.00066; gnomAD 0.00240 and 0.00251; TOPMed 0.00269; 1000 Genomes Project 0.00280; 1000 Genomes Project 30x 0.00344; ESP Exome Variant Server 0.00392.
gnomAD v4.1: 741 of 1,614,196 alleles (0.046%); highest among the groups gnomAD compares: African/African-American, 0.91%; 4 homozygotes.

Submissions (4):

Labcorp Genetics (formerly Invitae), Labcorp
Classification: Likely benign. Last evaluated: 2026-01-26. Review status: criteria provided, single submitter. Criteria: Invitae Variant Classification Sherloc (09022015). Collection method: clinical testing. Allele origin: germline.

Ambry Genetics
Classification: Uncertain significance for Inborn genetic diseases. Last evaluated: 2025-12-31. Review status: criteria provided, single submitter. Criteria: Ambry Variant Classification Scheme 2023. Collection method: clinical testing. Allele origin: germline.

GeneDx
Classification: Uncertain significance. Last evaluated: 2020-01-15. Review status: criteria provided, single submitter. Criteria: GeneDx Variant Classification Process June 2021. Collection method: clinical testing. Allele origin: germline. Affected: yes.
Comment: In silico analysis, which includes protein predictors and evolutionary conservation, supports that this variant does not alter protein structure/function; Has not been previously published as pathogenic or benign to our knowledge

Eurofins Ntd Llc (ga)
Classification: Likely benign. Last evaluated: 2017-01-09. Review status: criteria provided, single submitter. Criteria: EGL Classification Definitions 2015. Collection method: clinical testing. Allele origin: germline. Observed: 1 variant allele.